The following is an entry in ClinVar:

ClinVar aggregate classification (germline): Benign (1 of 4 stars; one submission).

Allele frequency attached by ClinVar (database versions not stated): 1000 Genomes Project 30x 0.14257; 1000 Genomes Project 0.14637; TOPMed 0.18828; gnomAD 0.19985 and 0.20122.
gnomAD v4.1: 30,670 of 152,126 alleles (20%); highest among the groups gnomAD compares: Non-Finnish European, 28%; 3,744 homozygotes.

Submission:

GeneDx
Classification: Benign. Last evaluated: 2018-06-16. Review status: criteria provided, single submitter. Criteria: GeneDx Variant Classification (06012015). Collection method: clinical testing. Allele origin: germline. Affected: yes.
Comment: This variant is considered likely benign or benign based on one or more of the following criteria: it is a conservative change, it occurs at a poorly conserved position in the protein, it is predicted to be benign by multiple in silico algorithms, and/or has population frequency not consistent with disease.

NM_024596.5(MCPH1):c.2452+220A>G

Genes: MCPH1 (microcephalin 1; plus strand), MCPH1-AS1 (MCPH1 antisense RNA 1; minus strand). Cytogenetic location: 8p23.1.
Variant type: single nucleotide variant.
Coding change: c.2452+220A>G on transcript NM_024596.5 (MANE Select); 220 bases into the intron after coding-DNA position 2452, A replaced by G.
Molecular consequence: intron variant.
Genome position (GRCh38, 1-based): chr8:6,621,911, A>G. VCF-style: chr8-6621911-A-G. GRCh37 (hg19) VCF-style: chr8-6479432-A-G.
Other names: c.2452+220A>G (NM_001322042.2, NM_001363979.1); c.2173+220A>G (NM_001363980.2).
Identifiers: ClinVar variation 683153 (VCV000683153.1), dbSNP rs2515559, ClinGen allele CA12750633.